The following is an entry in ClinVar:

ClinVar aggregate classification (germline): Uncertain significance (1 of 4 stars; one submission).

Conditions:
RYR1-related disorder. Also called: RYR1-related condition; RYR1-related disorders. Identifiers: MedGen CN239331.

Submission:

Labcorp Genetics (formerly Invitae), Labcorp
Classification: Uncertain significance for RYR1-related disorder. Last evaluated: 2022-10-05. Review status: criteria provided, single submitter. Criteria: Invitae Variant Classification Sherloc (09022015). Collection method: clinical testing. Allele origin: germline.
Comment: In summary, the available evidence is currently insufficient to determine the role of this variant in disease. Therefore, it has been classified as a Variant of Uncertain Significance. Advanced modeling of protein sequence and biophysical properties (such as structural, functional, and spatial information, amino acid conservation, physicochemical variation, residue mobility, and thermodynamic stability) performed at Invitae indicates that this missense variant is expected to disrupt RYR1 protein function. This variant has not been reported in the literature in individuals affected with RYR1-related conditions. This variant is not present in population databases (gnomAD no frequency). This sequence change replaces leucine, which is neutral and non-polar, with proline, which is neutral and non-polar, at codon 906 of the RYR1 protein (p.Leu906Pro).

NM_000540.3(RYR1):c.2717T>C (p.Leu906Pro)

Gene: RYR1 (ryanodine receptor 1; plus strand). Cytogenetic location: 19q13.2.
Variant type: single nucleotide variant.
Coding change: c.2717T>C on transcript NM_000540.3 (MANE Select); coding-DNA position 2717, T replaced by C.
Protein change: p.Leu906Pro; replaces leucine 906 with proline.
Molecular consequence: missense variant.
Genome position (GRCh38, 1-based): chr19:38,463,781, T>C. VCF-style: chr19-38463781-T-C. GRCh37 (hg19) VCF-style: chr19-38954421-T-C.
Other names: c.2717T>C, p.Leu906Pro (NM_001042723.2); short protein forms L906P.
Identifiers: ClinVar variation 2119169 (VCV002119169.4), dbSNP rs2514077285, ClinGen allele CA405632347.
Genomic context (GRCh38, chr19:38,463,781, plus strand): 5'-TGGAGTTGACCCTGGGTTTTCTCCAGGTTCGGGATGACAACAAGAGGCTGCACCCGTGTC[T>C]TGTGGACTTCCACAGCCTTCCAGAGCCTGAGAGGAACTACAACCTGCAGATGTCTGGGGA-3'
Protein context (NP_000531.2, residues 896-916): RDDNKRLHPC[Leu906Pro]VDFHSLPEPE